The following is an entry in ClinVar:

NM_004281.4(BAG3):c.478G>A (p.Ala160Thr)

Gene: BAG3 (BAG cochaperone 3; plus strand). Cytogenetic location: 10q26.11.
Variant type: single nucleotide variant.
Coding change: c.478G>A on transcript NM_004281.4 (MANE Select); coding-DNA position 478, G replaced by A.
Protein change: p.Ala160Thr; replaces alanine 160 with threonine.
Molecular consequence: missense variant.
Genome position (GRCh38, 1-based): chr10:119,670,148, G>A. VCF-style: chr10-119670148-G-A. GRCh37 (hg19) VCF-style: chr10-121429660-G-A.
Other names: short protein forms A160T.
Identifiers: ClinVar variation 2951805 (VCV002951805.3), dbSNP rs2494009913, ClinGen allele CA378295168.

ClinVar aggregate classification (germline): Uncertain significance (1 of 4 stars; one submission).

Conditions:
Myofibrillar myopathy 6. Identifiers: Orphanet 199340, MedGen C2751831, MONDO:0013061, OMIM 612954.
Dilated cardiomyopathy 1HH (CMD1HH). Identifiers: Orphanet 154, MedGen C3151293, MONDO:0013479, OMIM 613881.

Submission:

Labcorp Genetics (formerly Invitae), Labcorp
Classification: Uncertain significance for Dilated cardiomyopathy 1HH; Myofibrillar myopathy 6. Last evaluated: 2024-01-21. Review status: criteria provided, single submitter. Criteria: Invitae Variant Classification Sherloc (09022015). Collection method: clinical testing. Allele origin: germline.
Comment: This sequence change replaces alanine, which is neutral and non-polar, with threonine, which is neutral and polar, at codon 160 of the BAG3 protein (p.Ala160Thr). This variant is not present in population databases (gnomAD no frequency). This variant has not been reported in the literature in individuals affected with BAG3-related conditions. Advanced modeling of protein sequence and biophysical properties (such as structural, functional, and spatial information, amino acid conservation, physicochemical variation, residue mobility, and thermodynamic stability) performed at Invitae indicates that this missense variant is not expected to disrupt BAG3 protein function with a negative predictive value of 80%. In summary, the available evidence is currently insufficient to determine the role of this variant in disease. Therefore, it has been classified as a Variant of Uncertain Significance.